The following is an entry in ClinVar:

ClinVar aggregate classification (germline): Uncertain significance (1 of 4 stars; one submission).

Conditions:
Hereditary cancer-predisposing syndrome. Also called: Hereditary Cancer Syndrome; Tumor predisposition; Hereditary neoplastic syndrome; Neoplastic Syndromes, Hereditary. Identifiers: Orphanet 140162, MedGen C0027672, MeSH D009386, MONDO:0015356.

Submission:

Hereditary Cancer Group, L’Institut d'Investigació Biomèdica de Bellvitge
Classification: Uncertain significance for Hereditary cancer-predisposing syndrome. Last evaluated: 2024-12-19. Review status: criteria provided, single submitter. Criteria: Hatton et al. (Hum Mutat. 2023). Collection method: clinical testing. Allele origin: germline. Inheritance: Autosomal dominant inheritance. Affected: yes.
Comment: PVS1_moderate, PM2_supporting

NM_177438.3(DICER1):c.5742del (p.Asn1915fs)

Gene: DICER1 (dicer 1, ribonuclease III; minus strand). Cytogenetic location: 14q32.13.
Variant type: Deletion.
Coding change: c.5742del on transcript NM_177438.3 (MANE Select); coding-DNA position 5742, one base deleted (T; older notation c.5742delT).
Protein change: p.Asn1915fs; shifts the reading frame from asparagine 1915.
Molecular consequence: frameshift variant. On other transcripts: 3 prime UTR variant (1), non-coding transcript variant (6).
Genome position (GRCh38, 1-based): chr14:95,090,525, A deleted on the plus strand (T on the coding strand, the reverse complement: DICER1 is on the minus strand). VCF-style (leftmost placement, unchanged base first): chr14-95090524-TA-T. GRCh37 (hg19) VCF-style: chr14-95556861-TA-T.
Other names: c.*89del (NM_001195573.1); c.5742del, p.Asn1915fs (NM_001271282.3, NM_001291628.2, NM_001395677.1 and 7 more transcripts); c.5460del, p.Asn1821fs (NM_001395686.1); c.5337del, p.Asn1780fs (NM_001395687.1, NM_001395688.1, NM_001395689.1 and 1 more transcripts); c.5175del, p.Asn1726fs (NM_001395691.1); c.4059del, p.Asn1354fs (NM_001395697.1); short protein forms N1354fs, N1726fs, N1780fs, N1821fs, N1915fs.
Identifiers: ClinVar variation 3393356 (VCV003393356.1).
Genomic context (GRCh38, chr14:95,090,524, plus strand): 5'-TTTTGTTTCTTGTTTTGAATTTTAAAAAGCGGTTTCAGCTATTGGGAACCTGAGGTTGAT[TA>T]GCTTTGAGGCTTCGGAGGGCTCTTCTTGCTGCTGCAGATTTGGCAATCCTGTAACTTCGA-3'